The following is an entry in ClinVar:

NM_001142800.2(EYS):c.4245_4246del (p.Gln1415fs)

Gene: EYS (eyes shut homolog; minus strand). Cytogenetic location: 6q12.
Variant type: Deletion.
Coding change: c.4245_4246del on transcript NM_001142800.2 (MANE Select); coding-DNA positions 4245 to 4246, 2 bases deleted (GA; older notation c.4245_4246delGA).
Protein change: p.Gln1415fs; shifts the reading frame from glutamine 1415.
Molecular consequence: frameshift variant.
Genome position (GRCh38, 1-based): chr6:64,591,621-64,591,622, TC deleted on the plus strand (GA on the coding strand, the reverse complement: EYS is on the minus strand); deleting any 2 consecutive bases within chr6:64,591,621-64,591,623 gives the same sequence; the c. name uses the placement nearest the transcript's 3' end. VCF-style (leftmost placement, unchanged base first): chr6-64591620-GTC-G. GRCh37 (hg19) VCF-style: chr6-65301513-GTC-G.
Other names: c.4245_4246del, p.Gln1415fs (NM_001292009.2); short protein forms Q1415fs.
Identifiers: ClinVar variation 3241500 (VCV003241500.2), dbSNP rs2533154592.

ClinVar aggregate classification (germline): Pathogenic. Review status: criteria provided, multiple submitters, no conflicts (2 of 4 stars). 2 submissions from 2 submitters: Pathogenic (2). Last evaluated 2024-01-17.

Conditions:
Retinitis pigmentosa 25 (RP25). Identifiers: Orphanet 791, MedGen C1864446, MONDO:0011272, OMIM 602772.

Submissions (2):

Baylor Genetics
Classification: Pathogenic for Retinitis pigmentosa 25. Last evaluated: 2024-01-17. Review status: criteria provided, single submitter. Criteria: ACMG Guidelines, 2015. Collection method: clinical testing. Allele origin: unknown.

3billion
Classification: Pathogenic for Retinitis pigmentosa 25. Last evaluated: 2023-12-20. Review status: criteria provided, single submitter. Criteria: ACMG Guidelines, 2015. Collection method: clinical testing. Allele origin: germline. Affected: yes.
Comment: The variant is not observed in the gnomAD v2.1.1 dataset. Predicted Consequence/Location: Frameshift: predicted to result in a loss or disruption of normal protein function through nonsense-mediated decay (NMD) or protein truncation. Multiple pathogenic variants are reported downstream of the variant. The variant has been reported to be associated with EYS related disorder (PMID: 31370859). Therefore, this variant is classified as Pathogenic according to the recommendation of ACMG/AMP guideline.

Literature cited by the submitters: PubMed 31370859 (cited by 3billion).